The following is an entry in ClinVar:

ClinVar aggregate classification (germline): Uncertain significance. Review status: criteria provided, multiple submitters, no conflicts (2 of 4 stars). 4 submissions from 4 submitters: Uncertain significance (4). Last evaluated 2025-12-04.

Conditions:
Familial colorectal cancer type X. Identifiers: Orphanet 440437, MedGen C3896578, MONDO:0018604.
Hereditary cancer-predisposing syndrome. Also called: Tumor predisposition; Hereditary neoplastic syndrome; Neoplastic Syndromes, Hereditary; Hereditary Cancer Syndrome. Identifiers: Orphanet 140162, MedGen C0027672, MeSH D009386, MONDO:0015356.

Allele frequency attached by ClinVar (database versions not stated): gnomAD 0.00001; gnomAD exomes 0.00001 and 0.00006; TOPMed 0.00001.
gnomAD v4.1: 83 of 1,613,972 alleles (0.0051%); highest among the groups gnomAD compares: Non-Finnish European, 0.0069%; no homozygotes.

Submissions (4):

Ambry Genetics
Classification: Uncertain significance for Hereditary cancer-predisposing syndrome. Last evaluated: 2025-12-04. Review status: criteria provided, single submitter. Criteria: Ambry Variant Classification Scheme 2023. Collection method: clinical testing. Allele origin: germline.
Comment: The p.R1566G variant (also known as c.4696A>G), located in coding exon 36 of the POLE gene, results from an A to G substitution at nucleotide position 4696. The arginine at codon 1566 is replaced by glycine, an amino acid with dissimilar properties. This amino acid position is conserved. In addition, the in silico prediction for this alteration is inconclusive. Since supporting evidence is limited at this time, the clinical significance of this alteration remains unclear.

Labcorp Genetics (formerly Invitae), Labcorp
Classification: Uncertain significance. Last evaluated: 2025-10-12. Review status: criteria provided, single submitter. Criteria: Invitae Variant Classification Sherloc (09022015). Collection method: clinical testing. Allele origin: germline.
Comment: This sequence change replaces arginine, which is basic and polar, with glycine, which is neutral and non-polar, at codon 1566 of the POLE protein (p.Arg1566Gly). This variant is present in population databases (no rsID available, gnomAD 0.003%). This variant has not been reported in the literature in individuals affected with POLE-related conditions. ClinVar contains an entry for this variant (Variation ID: 473686). Invitae Evidence Modeling of protein sequence and biophysical properties (such as structural, functional, and spatial information, amino acid conservation, physicochemical variation, residue mobility, and thermodynamic stability) indicates that this missense variant is not expected to disrupt POLE protein function with a negative predictive value of 80%. In summary, the available evidence is currently insufficient to determine the role of this variant in disease. Therefore, it has been classified as a Variant of Uncertain Significance.

GeneDx
Classification: Uncertain significance. Last evaluated: 2023-07-26. Review status: criteria provided, single submitter. Criteria: GeneDx Variant Classification Process June 2021. Collection method: clinical testing. Allele origin: germline.
Comment: Not observed at significant frequency in large population cohorts (gnomAD); In silico analysis supports that this missense variant has a deleterious effect on protein structure/function; Has not been previously published as pathogenic or benign to our knowledge

Department of Pathology and Laboratory Medicine, Sinai Health System
Classification: Uncertain significance for Familial colorectal cancer type X. Last evaluated: 2023-03-31. Review status: criteria provided, single submitter. Criteria: ACMG Guidelines, 2015. Collection method: clinical testing. Allele origin: germline. Affected: yes.

NM_006231.4(POLE):c.4696A>G (p.Arg1566Gly)

Gene: POLE (DNA polymerase epsilon, catalytic subunit; minus strand). Cytogenetic location: 12q24.33.
Variant type: single nucleotide variant.
Coding change: c.4696A>G on transcript NM_006231.4 (MANE Select); coding-DNA position 4696, A replaced by G.
Protein change: p.Arg1566Gly; replaces arginine 1566 with glycine.
Molecular consequence: missense variant.
Genome position (GRCh38, 1-based): chr12:132,642,852, T>C on the plus strand (A>G on the coding strand, the complement: POLE is on the minus strand). VCF-style: chr12-132642852-T-C. GRCh37 (hg19) VCF-style: chr12-133219438-T-C.
Other names: short protein forms R1566G.
Identifiers: ClinVar variation 473686 (VCV000473686.16), dbSNP rs1365206650, ClinGen allele CA387378742.